The following is an entry in ClinVar:

ClinVar aggregate classification (germline): Benign. Review status: criteria provided, multiple submitters, no conflicts (2 of 4 stars). 2 submissions from 2 submitters: Benign (2). Last evaluated 2018-06-14.

Allele frequency attached by ClinVar (database versions not stated): gnomAD 0.66307; TOPMed 0.68304; 1000 Genomes Project 0.76198; 1000 Genomes Project 30x 0.76327.

Submissions (2):

GeneDx
Classification: Benign. Last evaluated: 2018-06-14. Review status: criteria provided, single submitter. Criteria: GeneDx Variant Classification (06012015). Collection method: clinical testing. Allele origin: germline. Affected: yes.
Comment: This variant is considered likely benign or benign based on one or more of the following criteria: it is a conservative change, it occurs at a poorly conserved position in the protein, it is predicted to be benign by multiple in silico algorithms, and/or has population frequency not consistent with disease.

Breakthrough Genomics
Classification: Benign. Review status: criteria provided, single submitter. Criteria: ACMG Guidelines, 2015. Collection method: not provided. Allele origin: germline. Inheritance: Autosomal dominant inheritance. Affected: yes.

NM_017617.5(NOTCH1):c.3171+54A>G

Gene: NOTCH1 (notch receptor 1; minus strand). Cytogenetic location: 9q34.3.
Variant type: single nucleotide variant.
Coding change: c.3171+54A>G on transcript NM_017617.5 (MANE Select); 54 bases into the intron after coding-DNA position 3171, A replaced by G.
Molecular consequence: intron variant.
Genome position (GRCh38, 1-based): chr9:136,508,816, T>C on the plus strand (A>G on the coding strand, the complement: NOTCH1 is on the minus strand). VCF-style: chr9-136508816-T-C. GRCh37 (hg19) VCF-style: chr9-139403268-T-C.
Identifiers: ClinVar variation 678141 (VCV000678141.2), dbSNP rs3125000, ClinGen allele CA13041483.